The following is an entry in ClinVar:

NM_001142966.3(GREB1L):c.20G>A (p.Gly7Glu)

Genes: GREB1L (GREB1 like retinoic acid receptor coactivator; plus strand), GREB1L-AS1 (GREB1L antisense RNA 1; minus strand). Cytogenetic location: 18q11.1.
Variant type: single nucleotide variant.
Coding change: c.20G>A on transcript NM_001142966.3 (MANE Select); coding-DNA position 20, G replaced by A.
Protein change: p.Gly7Glu; replaces glycine 7 with glutamic acid.
Molecular consequence: missense variant.
Genome position (GRCh38, 1-based): chr18:21,383,538, G>A. VCF-style: chr18-21383538-G-A. GRCh37 (hg19) VCF-style: chr18-18963499-G-A.
Other names: c.20G>A, p.Gly7Glu (NM_001410867.1, NM_001410868.1); short protein forms G7E.
Identifiers: ClinVar variation 2801036 (VCV002801036.3), dbSNP rs2144055899, ClinGen allele CA401793901.

ClinVar aggregate classification (germline): Uncertain significance (1 of 4 stars; one submission).

Submission:

Labcorp Genetics (formerly Invitae), Labcorp
Classification: Uncertain significance. Last evaluated: 2022-11-13. Review status: criteria provided, single submitter. Criteria: Invitae Variant Classification Sherloc (09022015). Collection method: clinical testing. Allele origin: germline.
Comment: This sequence change replaces glycine, which is neutral and non-polar, with glutamic acid, which is acidic and polar, at codon 7 of the GREB1L protein (p.Gly7Glu). This variant is not present in population databases (gnomAD no frequency). This variant has not been reported in the literature in individuals affected with GREB1L-related conditions. Algorithms developed to predict the effect of missense changes on protein structure and function are either unavailable or do not agree on the potential impact of this missense change (SIFT: "Not Available"; PolyPhen-2: "Probably Damaging"; Align-GVGD: "Not Available"). In summary, the available evidence is currently insufficient to determine the role of this variant in disease. Therefore, it has been classified as a Variant of Uncertain Significance.